The following is an entry in ClinVar:

ClinVar aggregate classification (germline): Uncertain significance (1 of 4 stars; one submission).

Submission:

Greenwood Genetic Center Diagnostic Laboratories, Greenwood Genetic Center
Classification: Uncertain significance. Last evaluated: 2024-04-30. Review status: criteria provided, single submitter. Criteria: ACMG Guidelines, 2015. Collection method: clinical testing. Allele origin: germline. Affected: yes.
Comment: PM2, BP4

NM_015015.3(KDM4B):c.3121A>T (p.Ser1041Cys)

Gene: KDM4B (lysine demethylase 4B; plus strand). Cytogenetic location: 19p13.3.
Variant type: single nucleotide variant.
Coding change: c.3121A>T on transcript NM_015015.3 (MANE Select); coding-DNA position 3121, A replaced by T.
Protein change: p.Ser1041Cys; replaces serine 1041 with cysteine.
Molecular consequence: missense variant.
Genome position (GRCh38, 1-based): chr19:5,151,341, A>T. VCF-style: chr19-5151341-A-T. GRCh37 (hg19) VCF-style: chr19-5151352-A-T.
Other names: c.3223A>T, p.Ser1075Cys (NM_001411148.1); short protein forms S1041C, S1075C.
Identifiers: ClinVar variation 3338608 (VCV003338608.1).